The following is an entry in ClinVar:

NM_001288705.3(CSF1R):c.1084_1085inv (p.His362Cys)

Gene: CSF1R (colony stimulating factor 1 receptor; minus strand). Cytogenetic location: 5q32.
Variant type: Inversion.
Coding change: c.1084_1085inv on transcript NM_001288705.3 (MANE Select).
Protein change: p.His362Cys; replaces histidine 362 with cysteine.
Molecular consequence: missense variant. On other transcripts: non-coding transcript variant (2).
Genome position: GRCh38 VCF-style: chr5-150070569-TG-CA. GRCh37 (hg19) VCF-style: chr5-149450132-TG-CA.
Other names: c.1084_1085inv, p.His362Cys (NM_001349736.2, NM_001375320.1, NM_005211.4); c.640_641inv, p.His214Cys (NM_001375321.1); short protein forms H214C, H362C.
Identifiers: ClinVar variation 1360911 (VCV001360911.7), ClinGen allele CA2573139287.

ClinVar aggregate classification (germline): Uncertain significance (1 of 4 stars; one submission).

Submission:

Labcorp Genetics (formerly Invitae), Labcorp
Classification: Uncertain significance. Last evaluated: 2025-05-06. Review status: criteria provided, single submitter. Criteria: Invitae Variant Classification Sherloc (09022015). Collection method: clinical testing. Allele origin: germline.
Comment: This sequence change replaces histidine, which is basic and polar, with cysteine, which is neutral and slightly polar, at codon 362 of the CSF1R protein (p.His362Cys). This variant is present in population databases (no rsID available, gnomAD 0.003%). This variant has not been reported in the literature in individuals affected with CSF1R-related conditions. ClinVar contains an entry for this variant (Variation ID: 1360911). An algorithm developed to predict the effect of missense changes on protein structure and function (PolyPhen-2) suggests that this variant is likely to be tolerated. In summary, the available evidence is currently insufficient to determine the role of this variant in disease. Therefore, it has been classified as a Variant of Uncertain Significance.